The following is an entry in ClinVar:

ClinVar aggregate classification (germline): Likely benign. Review status: criteria provided, multiple submitters, no conflicts (2 of 4 stars). 3 submissions from 3 submitters: Likely benign (3). Last evaluated 2025-12-28.

Conditions:
Dilated cardiomyopathy 1G (CMD1G). Identifiers: Orphanet 154, MedGen C1858763, MONDO:0011400, OMIM 604145.
Autosomal recessive limb-girdle muscular dystrophy type 2J (LGMDR10). Also called: Limb-girdle muscular dystrophy, type 2J; MUSCULAR DYSTROPHY, LIMB-GIRDLE, AUTOSOMAL RECESSIVE 10. Identifiers: Orphanet 140922, MedGen C1837342, MONDO:0012127, OMIM 608807.

Allele frequency attached by ClinVar (database versions not stated): gnomAD 0.00003 and 0.00004; gnomAD exomes 0.00006 and 0.00017; TOPMed 0.00011; ExAC 0.00020; 1000 Genomes Project 0.00040; 1000 Genomes Project 30x 0.00047.
gnomAD v4.1: 37 of 1,558,598 alleles (0.0024%); highest among the groups gnomAD compares: Admixed American, 0.072%; no homozygotes.

Submissions (3):

Labcorp Genetics (formerly Invitae), Labcorp
Classification: Likely benign for Dilated cardiomyopathy 1G; Autosomal recessive limb-girdle muscular dystrophy type 2J. Last evaluated: 2025-12-28. Review status: criteria provided, single submitter. Criteria: Invitae Variant Classification Sherloc (09022015). Collection method: clinical testing. Allele origin: germline.

Women's Health and Genetics/Laboratory Corporation of America, LabCorp
Classification: Likely benign. Last evaluated: 2023-10-09. Review status: criteria provided, single submitter. Criteria: LabCorp Variant Classification Summary - May 2015. Collection method: clinical testing. Allele origin: germline.

GeneDx
Classification: Likely benign. Last evaluated: 2016-12-01. Review status: criteria provided, single submitter. Criteria: GeneDx Variant Classification (06012015). Collection method: clinical testing. Allele origin: germline. Affected: yes.
Comment: This variant is considered likely benign or benign based on one or more of the following criteria: it is a conservative change, it occurs at a poorly conserved position in the protein, it is predicted to be benign by multiple in silico algorithms, and/or has population frequency not consistent with disease.

NM_001267550.2(TTN):c.51739+20G>A

Genes: TTN (titin; minus strand), TTN-AS1 (TTN antisense RNA 1; plus strand). Cytogenetic location: 2q31.2.
Variant type: single nucleotide variant.
Coding change: c.51739+20G>A on transcript NM_001267550.2 (MANE Select); 20 bases into the intron after coding-DNA position 51739, G replaced by A.
Molecular consequence: intron variant.
Genome position (GRCh38, 1-based): chr2:178,609,664, C>T on the plus strand (G>A on the coding strand, the complement: TTN is on the minus strand). VCF-style: chr2-178609664-C-T. GRCh37 (hg19) VCF-style: chr2-179474391-C-T.
Other names: c.46816+20G>A (NM_001256850.1); c.24544+20G>A (NM_003319.4); c.25120+20G>A (NM_133437.4); c.24919+20G>A (NM_133432.3); c.44035+20G>A (NM_133378.4).
Identifiers: ClinVar variation 379369 (VCV000379369.10), dbSNP rs571361599, ClinGen allele CA1994127.